The following is an entry in ClinVar:

ClinVar aggregate classification (germline): Benign. Review status: criteria provided, multiple submitters, no conflicts (2 of 4 stars). 3 submissions from 3 submitters: Benign (2). 1 of the submissions does not count toward it. Last evaluated 2022-10-01.

Conditions:
RAC1-related disorder. Also called: RAC1-related condition.

Allele frequency attached by ClinVar (database versions not stated): gnomAD exomes 0.00009 and 0.00028; ExAC 0.00034; gnomAD 0.00097 and 0.00100; ESP Exome Variant Server 0.00108; TOPMed 0.00109; 1000 Genomes Project 30x 0.00234; 1000 Genomes Project 0.00240.
gnomAD v4.1: 284 of 1,569,184 alleles (0.018%); highest among the groups gnomAD compares: African/African-American, 0.36%; 2 homozygotes.

Submissions (3):

CeGaT Center for Human Genetics Tuebingen
Classification: Benign. Last evaluated: 2022-10-01. Review status: criteria provided, single submitter. Criteria: CeGaT Center For Human Genetics Tuebingen Variant Classification Criteria Version 2. Collection method: clinical testing. Allele origin: germline. Affected: yes. Observed: 1 variant allele.
Comment: RAC1: BS1, BS2

Labcorp Genetics (formerly Invitae), Labcorp
Classification: Benign. Last evaluated: 2019-12-31. Review status: criteria provided, single submitter. Criteria: Invitae Variant Classification Sherloc (09022015). Collection method: clinical testing. Allele origin: germline.

PreventionGenetics, part of Exact Sciences
Classification: Likely benign for RAC1-related condition. Last evaluated: 2019-11-14. Review status: no assertion criteria provided. Collection method: clinical testing. Allele origin: germline. Not counted in ClinVar's aggregate classification.
Comment: This variant is classified as likely benign based on ACMG/AMP sequence variant interpretation guidelines (Richards et al. 2015 PMID: 25741868, with internal and published modifications).

NM_006908.5(RAC1):c.75C>G (p.Thr25=)

Gene: RAC1 (Rac family small GTPase 1; plus strand). Cytogenetic location: 7p22.1.
Variant type: single nucleotide variant.
Coding change: c.75C>G on transcript NM_006908.5 (MANE Select); coding-DNA position 75, C replaced by G.
Protein change: p.Thr25=; no amino-acid change (threonine 25 retained).
Molecular consequence: synonymous variant.
Genome position (GRCh38, 1-based): chr7:6,387,251, C>G. VCF-style: chr7-6387251-C-G. GRCh37 (hg19) VCF-style: chr7-6426882-C-G.
Other names: c.75C>G, p.Thr25= (NM_018890.4).
Identifiers: ClinVar variation 739976 (VCV000739976.29), dbSNP rs139010955, ClinGen allele CA4153617.